The following is an entry in ClinVar:

ClinVar aggregate classification (germline): Uncertain significance (1 of 4 stars; one submission).

Allele frequency attached by ClinVar (database versions not stated): gnomAD exomes below 0.00001; TOPMed below 0.00001; gnomAD 0.00001; ExAC 0.00002; 1000 Genomes Project 30x 0.00016; 1000 Genomes Project 0.00020.
gnomAD v4.1: 4 of 1,607,208 alleles (0.00025%); highest among the groups gnomAD compares: East Asian, 0.0022%; no homozygotes.

Submission:

CeGaT Center for Human Genetics Tuebingen
Classification: Uncertain significance. Last evaluated: 2024-01-01. Review status: criteria provided, single submitter. Criteria: CeGaT Center For Human Genetics Tuebingen Variant Classification Criteria Version 2. Collection method: clinical testing. Allele origin: germline. Affected: yes. Observed: 1 variant allele.
Comment: DNAH9: PM2, BP4

NM_001372.4(DNAH9):c.11419A>G (p.Met3807Val)

Gene: DNAH9 (dynein axonemal heavy chain 9; plus strand). Cytogenetic location: 17p12.
Variant type: single nucleotide variant.
Coding change: c.11419A>G on transcript NM_001372.4 (MANE Select); coding-DNA position 11419, A replaced by G.
Protein change: p.Met3807Val; replaces methionine 3807 with valine.
Molecular consequence: missense variant.
Genome position (GRCh38, 1-based): chr17:11,902,731, A>G. VCF-style: chr17-11902731-A-G. GRCh37 (hg19) VCF-style: chr17-11806048-A-G.
Other names: c.355A>G, p.Met119Val (NM_004662.2); short protein forms M119V, M3807V.
Identifiers: ClinVar variation 3026912 (VCV003026912.22), dbSNP rs543511643, ClinGen allele CA8397837.